The following is an entry in ClinVar:

ClinVar aggregate classification (germline): Likely benign. Review status: criteria provided, multiple submitters, no conflicts (2 of 4 stars). 4 submissions from 4 submitters: Likely benign (4). Last evaluated 2024-09-04.

Conditions:
Hereditary cancer-predisposing syndrome. Also called: Neoplastic Syndromes, Hereditary; Tumor predisposition; Hereditary Cancer Syndrome; Hereditary neoplastic syndrome. Identifiers: Orphanet 140162, MedGen C0027672, MeSH D009386, MONDO:0015356.
Familial cancer of breast. Also called: hereditary breast carcinoma; BREAST CANCER, FAMILIAL; Hereditary breast cancer. Identifiers: Orphanet 227535, MedGen C0346153, MONDO:0016419, OMIM 114480. Disease mechanism: loss of function.
Fanconi anemia complementation group J. Also called: BRIP1-Related Fanconi Anemia. Identifiers: Orphanet 84, MedGen C1836860, MONDO:0012187, OMIM 609054.

Submissions (4):

Myriad Genetics, Inc.
Classification: Likely benign for Familial cancer of breast. Last evaluated: 2024-09-04. Review status: criteria provided, single submitter. Criteria: Myriad Autosomal Dominant, Autosomal Recessive and X-Linked Classification Criteria (2023). Collection method: clinical testing. Allele origin: unknown.
Comment: This variant is considered likely benign. This variant is intronic and is not expected to impact mRNA splicing.

Labcorp Genetics (formerly Invitae), Labcorp
Classification: Likely benign for Familial cancer of breast; Fanconi anemia complementation group J. Last evaluated: 2022-01-02. Review status: criteria provided, single submitter. Criteria: Invitae Variant Classification Sherloc (09022015). Collection method: clinical testing. Allele origin: germline.

Color Diagnostics, LLC DBA Color Health
Classification: Likely benign for Hereditary cancer-predisposing syndrome. Last evaluated: 2018-11-26. Review status: criteria provided, single submitter. Criteria: ACMG Guidelines, 2015. Collection method: clinical testing. Allele origin: germline.

GeneDx
Classification: Likely benign. Last evaluated: 2017-06-27. Review status: criteria provided, single submitter. Criteria: GeneDx Variant Classification (06012015). Collection method: clinical testing. Allele origin: germline. Affected: yes.
Comment: This variant is considered likely benign or benign based on one or more of the following criteria: it is a conservative change, it occurs at a poorly conserved position in the protein, it is predicted to be benign by multiple in silico algorithms, and/or has population frequency not consistent with disease.

NM_032043.3(BRIP1):c.2258-20G>A

Gene: BRIP1 (BRCA1 interacting DNA helicase 1; minus strand). Cytogenetic location: 17q23.2.
Variant type: single nucleotide variant.
Coding change: c.2258-20G>A on transcript NM_032043.3 (MANE Select); 20 bases into the intron before coding-DNA position 2258, G replaced by A.
Molecular consequence: intron variant.
Genome position (GRCh38, 1-based): chr17:61,743,154, C>T on the plus strand (G>A on the coding strand, the complement: BRIP1 is on the minus strand). VCF-style: chr17-61743154-C-T. GRCh37 (hg19) VCF-style: chr17-59820515-C-T.
Identifiers: ClinVar variation 517040 (VCV000517040.9), dbSNP rs1555590610, ClinGen allele CA658798934.